The following is an entry in ClinVar:

NM_006031.6(PCNT):c.8093G>A (p.Arg2698His)

Gene: PCNT (pericentrin; plus strand). Cytogenetic location: 21q22.3.
Variant type: single nucleotide variant.
Coding change: c.8093G>A on transcript NM_006031.6 (MANE Select); coding-DNA position 8093, G replaced by A.
Protein change: p.Arg2698His; replaces arginine 2698 with histidine.
Molecular consequence: missense variant.
Genome position (GRCh38, 1-based): chr21:46,431,557, G>A. VCF-style: chr21-46431557-G-A. GRCh37 (hg19) VCF-style: chr21-47851471-G-A.
Other names: c.7739G>A, p.Arg2580His (NM_001315529.2); short protein forms R2698H, R2580H.
Identifiers: ClinVar variation 2277940 (VCV002277940.4), dbSNP rs762033686, ClinGen allele CA10080886.

ClinVar aggregate classification (germline): Uncertain significance. Review status: criteria provided, single submitter (1 of 4 stars). 2 submissions from 2 submitters: Uncertain significance (1). 1 of the submissions does not count toward it. Last evaluated 2025-07-01.

Conditions:
PCNT-related disorder. Also called: PCNT-related condition.
Inborn genetic diseases. Identifiers: MedGen C0950123, MeSH D030342.

Allele frequency attached by ClinVar (database versions not stated): ExAC 0.00002; gnomAD 0.00003; TOPMed 0.00005.
gnomAD v4.1: 40 of 1,613,944 alleles (0.0025%); highest among the groups gnomAD compares: Admixed American, 0.02%; no homozygotes.

Submissions (2):

Ambry Genetics
Classification: Uncertain significance for Inborn genetic diseases. Last evaluated: 2025-07-01. Review status: criteria provided, single submitter. Criteria: Ambry Variant Classification Scheme 2023. Collection method: clinical testing. Allele origin: germline.

PreventionGenetics, part of Exact Sciences
Classification: Uncertain significance for PCNT-related condition. Last evaluated: 2024-05-14. Review status: no assertion criteria provided. Collection method: clinical testing. Allele origin: germline. Not counted in ClinVar's aggregate classification.
Comment: The PCNT c.8093G>A variant is predicted to result in the amino acid substitution p.Arg2698His. To our knowledge, this variant has not been reported in the literature. This variant is reported in 0.014% of alleles in individuals of Latino descent in gnomAD. At this time, the clinical significance of this variant is uncertain due to the absence of conclusive functional and genetic evidence.